The following is an entry in ClinVar:

NM_138459.5(NUS1):c.74_75delinsAA (p.Trp25Ter)

Gene: NUS1 (NUS1 dehydrodolichyl diphosphate synthase subunit; plus strand). Cytogenetic location: 6q22.1.
Variant type: Indel.
Coding change: c.74_75delinsAA on transcript NM_138459.5 (MANE Select); coding-DNA positions 74 to 75, GG replaced by AA.
Protein change: p.Trp25Ter; replaces tryptophan 25 with a stop codon.
Molecular consequence: nonsense.
Genome position (GRCh38, 1-based): chr6:117,675,744-117,675,745, GG replaced by AA. VCF-style: chr6-117675744-GG-AA. GRCh37 (hg19) VCF-style: chr6-117996907-GG-AA.
Other names: short protein forms W25*.
Identifiers: ClinVar variation 1453662 (VCV001453662.6), dbSNP rs2114674385, ClinGen allele CA2573140430.

ClinVar aggregate classification (germline): Pathogenic (1 of 4 stars; one submission).

Conditions:
Congenital disorder of glycosylation, type Iaa. Also called: Congenital disorder of glycosylation, type 1aa. Identifiers: MedGen C4310727, MONDO:0014904, OMIM 617082.

Submission:

Labcorp Genetics (formerly Invitae), Labcorp
Classification: Pathogenic for Congenital disorder of glycosylation, type Iaa. Last evaluated: 2022-12-02. Review status: criteria provided, single submitter. Criteria: Invitae Variant Classification Sherloc (09022015). Collection method: clinical testing. Allele origin: germline.
Comment: For these reasons, this variant has been classified as Pathogenic. ClinVar contains an entry for this variant (Variation ID: 1453662). This variant has not been reported in the literature in individuals affected with NUS1-related conditions. Information on the frequency of this variant in the gnomAD database is not available, as this variant may be reported differently in the database. This sequence change creates a premature translational stop signal (p.Trp25*) in the NUS1 gene. It is expected to result in an absent or disrupted protein product. Loss-of-function variants in NUS1 are known to be pathogenic (PMID: 29100083).

Literature cited by the submitters: PubMed 29100083.